The following is an entry in ClinVar:

NM_001267550.2(TTN):c.76382T>C (p.Ile25461Thr)

Genes: TTN (titin; minus strand), TTN-AS1 (TTN antisense RNA 1; plus strand). Cytogenetic location: 2q31.2.
Variant type: single nucleotide variant.
Coding change: c.76382T>C on transcript NM_001267550.2 (MANE Select); coding-DNA position 76382, T replaced by C.
Protein change: p.Ile25461Thr; replaces isoleucine 25461 with threonine.
Molecular consequence: missense variant.
Genome position (GRCh38, 1-based): chr2:178,569,750, A>G on the plus strand (T>C on the coding strand, the complement: TTN is on the minus strand). VCF-style: chr2-178569750-A-G. GRCh37 (hg19) VCF-style: chr2-179434477-A-G.
Other names: c.71459T>C, p.Ile23820Thr (NM_001256850.1); c.49187T>C, p.Ile16396Thr (NM_003319.4); c.68678T>C, p.Ile22893Thr (NM_133378.4); c.49562T>C, p.Ile16521Thr (NM_133432.3); c.49763T>C, p.Ile16588Thr (NM_133437.4); short protein forms I16521T, I25461T, I22893T, I23820T, I16396T, I16588T.
Identifiers: ClinVar variation 1744087 (VCV001744087.2), dbSNP rs781399131, ClinGen allele CA1989920.
Genomic context (GRCh38, chr2:178,569,750, plus strand): 5'-ATACGGAAGTTGTATTCATGCTTTTCCAACAGCTTCTCTACTTCTATGTTTGTTTTATTA[A>G]TTCCTGTTGGTGGAGTGCACATTGTCCATTCACCAACACTCACATCACATTTTTCAACAA-3'
Protein context (NP_001254479.2, residues 25451-25471): EWTMCTPPTG[Ile25461Thr]NKTNIEVEKL

ClinVar aggregate classification (germline): Uncertain significance (1 of 4 stars; one submission).

Conditions:
Cardiovascular phenotype. Identifiers: MedGen CN230736.

Allele frequency attached by ClinVar (database versions not stated): TOPMed below 0.00001; ExAC 0.00001.
gnomAD v4.1: 7 of 1,613,202 alleles (0.00043%); highest among the groups gnomAD compares: Non-Finnish European, 0.00059%; no homozygotes.

Submission:

Ambry Genetics
Classification: Uncertain significance for Cardiovascular phenotype. Last evaluated: 2020-07-07. Review status: criteria provided, single submitter. Criteria: Ambry Variant Classification Scheme 2023. Collection method: clinical testing. Allele origin: germline.
Comment: The p.I16396T variant (also known as c.49187T>C), located in coding exon 153 of the TTN gene, results from a T to C substitution at nucleotide position 49187. The isoleucine at codon 16396 is replaced by threonine, an amino acid with similar properties. This variant (referred to as p.I22893T, c.68678T>C) co-occurred with variants in other cardiac-related genes in an individual from a sudden death cohort (Sanchez O et al. PLoS ONE, 2016 Dec;11:e0167358). This amino acid position is highly conserved in available vertebrate species. In addition, this alteration is predicted to be tolerated by in silico analysis. Since supporting evidence is limited at this time, the clinical significance of this alteration remains unclear.

Literature cited by the submitters: PubMed 27930701.